The following is an entry in ClinVar:

ClinVar aggregate classification (germline): Uncertain significance (1 of 4 stars; one submission).

Submission:

GeneDx
Classification: Uncertain significance. Last evaluated: 2019-08-05. Review status: criteria provided, single submitter. Criteria: GeneDx Variant Classification Process June 2021. Collection method: clinical testing. Allele origin: germline. Affected: yes.
Comment: Not observed in large population cohorts (Lek et al., 2016); In silico analysis, which includes protein predictors and evolutionary conservation, supports that this variant does not alter protein structure/function; Has not been previously published as pathogenic or benign to our knowledge

NM_133433.4(NIPBL):c.5225A>G (p.Lys1742Arg)

Gene: NIPBL (NIPBL cohesin loading factor; plus strand). Cytogenetic location: 5p13.2.
Variant type: single nucleotide variant.
Coding change: c.5225A>G on transcript NM_133433.4 (MANE Select); coding-DNA position 5225, A replaced by G.
Protein change: p.Lys1742Arg; replaces lysine 1742 with arginine.
Molecular consequence: missense variant.
Genome position (GRCh38, 1-based): chr5:37,020,673, A>G. VCF-style: chr5-37020673-A-G. GRCh37 (hg19) VCF-style: chr5-37020775-A-G.
Other names: c.5225A>G, p.Lys1742Arg (NM_015384.5); short protein forms K1742R.
Identifiers: ClinVar variation 1304855 (VCV001304855.2), dbSNP rs2149696733, ClinGen allele CA359487597.
Genomic context (GRCh38, chr5:37,020,673, plus strand): 5'-ACCGAAAAAAGTTTCTTAGAAGCATTATCAAAACCACACCTTCTCAGTTTAGCACATTAA[A>G]GTAAGATCCAAGGAGAAAACAGTTTACATTTATCTCCTTGATATCTATTTCCCTAAGTTA-3'
Protein context (NP_597677.2, residues 1732-1752): KTTPSQFSTL[Lys1742Arg]MNSDTVDYDD